The following is an entry in ClinVar:

ClinVar aggregate classification (germline): Pathogenic/Likely pathogenic. Review status: criteria provided, multiple submitters, no conflicts (2 of 4 stars). 7 submissions from 7 submitters: Pathogenic (3); Likely pathogenic (2). 2 of the submissions do not count toward it. Last evaluated 2025-06-19.

Conditions:
Hereditary cancer-predisposing syndrome. Also called: Tumor predisposition; Neoplastic Syndromes, Hereditary; Hereditary Cancer Syndrome; Hereditary neoplastic syndrome. Identifiers: Orphanet 140162, MedGen C0027672, MeSH D009386, MONDO:0015356.
Hereditary breast ovarian cancer syndrome. Also called: Hereditary breast and ovarian cancer syndrome (HBOC); Hereditary breast and ovarian cancer syndrome; Hereditary breast and ovarian cancer; Hereditary breast and/or ovarian cancer syndrome; Breast and ovarian cancer; BRCA1- and BRCA2-Associated Hereditary Breast and Ovarian Cancer. Identifiers: Orphanet 145, MedGen C0677776, MeSH D061325, MONDO:0003582. Disease mechanism: loss of function.
Breast-ovarian cancer, familial, susceptibility to, 1 (BROVCA1). Also called: OVARIAN CANCER, SUSCEPTIBILITY TO; BRCA1 Hereditary Breast and Ovarian Cancer. Identifiers: Orphanet 145, MedGen C2676676, MONDO:0011450, OMIM 604370. Disease mechanism: loss of function.

Submissions (8):

Labcorp Genetics (formerly Invitae), Labcorp
Classification: Pathogenic for Hereditary breast ovarian cancer syndrome. Last evaluated: 2025-06-19. Review status: criteria provided, single submitter. Criteria: Invitae Variant Classification Sherloc (09022015). Collection method: clinical testing. Allele origin: germline.
Comment: This sequence change replaces tryptophan, which is neutral and slightly polar, with cysteine, which is neutral and slightly polar, at codon 1837 of the BRCA1 protein (p.Trp1837Cys). This variant is not present in population databases (gnomAD no frequency). This missense change has been observed in individual(s) with breast cancer (PMID: 10923033). ClinVar contains an entry for this variant (Variation ID: 37680). Invitae Evidence Modeling incorporating data from in vitro experimental studies (PMID: 30209399) indicates that this missense variant is expected to disrupt BRCA1 function with a positive predictive value of 95%. Experimental studies have shown that this missense change affects BRCA1 function (PMID: 20516115, 27802165, 30209399). This variant disrupts the p.Trp1837 amino acid residue in BRCA1. Other variant(s) that disrupt this residue have been determined to be pathogenic (PMID: 8968102, 11802209, 15689452, 27741520, 28324225). This suggests that this residue is clinically significant, and that variants that disrupt this residue are likely to be disease-causing. For these reasons, this variant has been classified as Pathogenic.

Ambry Genetics
Classification: Pathogenic for Hereditary cancer-predisposing syndrome. Last evaluated: 2025-01-07. Review status: criteria provided, single submitter. Criteria: Ambry Variant Classification Scheme 2023. Collection method: clinical testing. Allele origin: germline.
Comment: The p.W1837C pathogenic mutation (also known as c.5511G>T), located in coding exon 22 of the BRCA1 gene, results from a G to T substitution at nucleotide position 5511. The tryptophan at codon 1837 is replaced by cysteine, an amino acid with highly dissimilar properties. This alteration is located in the BRCT domain and has been found to impair nuclear localization, transcriptional activation, and in vivo protein folding (Lee MS et al. Cancer Res. 2010 Jun; 70(12):4880-90; Thouvenot P et al. J. Cell. Sci., 2016 12;129:4366-4378). Another functional study found that this nucleotide substitution is deleterious in a high throughput genome editing haploid cell survival assay (Findlay GM et al. Nature, 2018 10;562:217-222). Several other missense variants at the same codon, including p.W1837R and p.W1837G, have also been shown to be structurally and functionally deficient. This amino acid position is highly conserved in available vertebrate species. In addition, this alteration is predicted to be deleterious by in silico analysis. Based on the supporting evidence, this variant is interpreted as a disease-causing mutation.

GeneDx
Classification: Pathogenic. Last evaluated: 2024-08-08. Review status: criteria provided, single submitter. Criteria: GeneDx Variant Classification Process June 2021. Collection method: clinical testing. Allele origin: germline. Affected: yes.
Comment: Published functional studies demonstrate a damaging effect: decreased cell survival, protein misfolding, aberrant cellular localization, compromised DNA binding and transactivation, and impaired homology-directed repair activity (PMID: 20516115, 27802165, 30209399, 35665744); In silico analysis supports that this missense variant has a deleterious effect on protein structure/function; Not observed at significant frequency in large population cohorts (gnomAD); Also known as 5630G>T; This variant is associated with the following publications: (PMID: 24845084, 32042831, 30209399, 27802165, 20516115, 26956035, 35665744, 27741520, 28324225, 22855649, 15689452, 11802209, 8968102, 25348405, 34981296, 32377563, 33649982, 35070997, 38355628, 32803532, 31853058)

Color Diagnostics, LLC DBA Color Health
Classification: Likely pathogenic for Hereditary cancer-predisposing syndrome. Last evaluated: 2019-10-30. Review status: criteria provided, single submitter. Criteria: ACMG Guidelines, 2015. Collection method: clinical testing. Allele origin: germline.
Comment: This missense variant replaces tryptophan with cysteine at codon 1837 in the BRCT2 domain of the BRCA1 protein. Splice site prediction tools suggest that this variant may not impact RNA splicing. Functional studies have shown that this variant may cause defects in protease sensitivity, peptide binding, transcription activation and reduce homology directed repair activity (PMID: 20516115, 27802165, Ambry's ACMG 2018 poster). Additionally, this variant has been reported to be loss-of-function in a haploid cell proliferation assay (PMID: 30209399). This variant has been reported in 1 individual affected with ovarian cancer (PMID: 31124283). Different missense substitutions at the same codon p.Trp1837Arg and p.Trp1837Gly have been reported to be likely pathogenic in Clinvar (Variant ID: 37679, 55607), which suggests that the tryptophan residue is critical for BRCA1 protein function. This variant has not been identified in the general population by the Genome Aggregation Database (gnomAD). Based on the available evidence, this variant is classified as Likely Pathogenic.

Women's Health and Genetics/Laboratory Corporation of America, LabCorp
Classification: Likely pathogenic for Hereditary breast and ovarian cancer syndrome. Last evaluated: 2018-10-23. Review status: criteria provided, single submitter. Criteria: LabCorp Variant Classification Summary - May 2015. Collection method: clinical testing. Allele origin: germline.
Comment: Variant summary: BRCA1 c.5511G>T (p.Trp1837Cys) results in a non-conservative amino acid change located in the C-terminal BRCT domain (Ghani-Kakhki_2012) of the encoded protein sequence. Five of five in-silico tools predict a damaging effect of the variant on protein function. The variant was absent in 246126 control chromosomes (gnomAD). c.5511G>T has not been reported in the literature in individuals affected with Hereditary Breast and Ovarian Cancer. Although, the variant, c.5511G>C, that causes the same missense change has been reported in a BrC patient as a somatic occurrence (Li_2016). Multiple functional studies have been performed on this variant and found it to significantly impact transcriptional activity, binding ability and protein folding (Carvalho_2014, Lee_2010, Thouvenot_2016). In addition, other missense changes affecting this codon, Trp1837Arg and Trp1837Gly, have been reported in affected individuals suggesting a mutational hotspot. A ClinVar submission from a clinical diagnostic laboratory (evaluation after 2014) cites the variant as uncertain significance. Based on the evidence outlined above, the variant was classified as likely pathogenic.

Sharing Clinical Reports Project (SCRP)
Classification: Uncertain significance for Breast-ovarian cancer, familial 1. Last evaluated: 2010-09-10. Review status: no assertion criteria provided. Collection method: clinical testing. Allele origin: germline. Not counted in ClinVar's aggregate classification.

Breast Cancer Information Core (BIC) (BRCA1)
Classification: Uncertain significance for Breast-ovarian cancer, familial 1. Last evaluated: 2004-11-25. Review status: no assertion criteria provided. Collection method: clinical testing. Allele origin: germline. Affected: yes. Observed: 1 variant allele. Not counted in ClinVar's aggregate classification.

Brotman Baty Institute, University of Washington
No classification provided (evidence only). Condition: Breast-ovarian cancer, familial 1. Review status: no classification provided. Collection method: in vitro. Allele origin: not applicable. Functional consequence: functionally_abnormal. Not counted in ClinVar's aggregate classification.
ClinVar note: "not provided" was previously submitted as the classification for the variant. However, the classification appeared to be based only on an observation of functional data so it was converted to no classification on 2025-07-30.

Literature cited by the submitters: PubMed 10923033 (cited by Labcorp Genetics (formerly Invitae), Labcorp); PubMed 30209399 (cited by Labcorp Genetics (formerly Invitae), Labcorp and Ambry Genetics); PubMed 20516115 (cited by 3 submitters); PubMed 27802165 (cited by 3 submitters); PubMed 8968102 (cited by Labcorp Genetics (formerly Invitae), Labcorp); PubMed 11802209 (cited by Labcorp Genetics (formerly Invitae), Labcorp); PubMed 15689452 (cited by Labcorp Genetics (formerly Invitae), Labcorp); PubMed 27741520 (cited by Labcorp Genetics (formerly Invitae), Labcorp); PubMed 28324225 (cited by Labcorp Genetics (formerly Invitae), Labcorp); PubMed 26956035 (cited by Women's Health and Genetics/Laboratory Corporation of America, LabCorp); PubMed 22855649 (cited by Women's Health and Genetics/Laboratory Corporation of America, LabCorp); PubMed 24845084 (cited by Women's Health and Genetics/Laboratory Corporation of America, LabCorp).

NM_007294.4(BRCA1):c.5511G>T (p.Trp1837Cys)

Gene: BRCA1 (BRCA1 DNA repair associated; minus strand). Cytogenetic location: 17q21.31.
Variant type: single nucleotide variant.
Coding change: c.5511G>T on transcript NM_007294.4 (MANE Select); coding-DNA position 5511, G replaced by T.
Protein change: p.Trp1837Cys; replaces tryptophan 1837 with cysteine.
Molecular consequence: missense variant. On other transcripts: 3 prime UTR variant (1), non-coding transcript variant (1).
Genome position (GRCh38, 1-based): chr17:43,045,759, C>A on the plus strand (G>T on the coding strand, the complement: BRCA1 is on the minus strand). VCF-style: chr17-43045759-C-A. GRCh37 (hg19) VCF-style: chr17-41197776-C-A.
Other names: 5630G>T; c.5298G>T, p.Trp1766Cys (NM_001407904.1, NM_001407906.1, NM_001407907.1 and 12 more transcripts); c.5295G>T, p.Trp1765Cys (NM_001407915.1, NM_001407916.1, NM_001407917.1 and 1 more transcripts); c.5259G>T, p.Trp1753Cys (NM_001407919.1); c.5247G>T, p.Trp1749Cys (NM_001407920.1, NM_001407921.1, NM_001407922.1 and 4 more transcripts); c.5244G>T, p.Trp1748Cys (NM_001407927.1, NM_001407928.1, NM_001407929.1 and 4 more transcripts); c.5241G>T, p.Trp1747Cys (NM_001407934.1, NM_001407935.1, NM_001407936.1); c.*25G>T (NM_001407937.1, NM_001407938.1, NM_001407939.1 and 14 more transcripts); and 75 more; short protein forms W1837C, W1790C, W733C, W1858C, W1541C, W1708C, W1724C, W1725C.
Identifiers: ClinVar variation 37680 (VCV000037680.23), dbSNP rs80356914, ClinGen allele CA003686.
Genomic context (GRCh38, chr17:43,045,759, plus strand): 5'-CTGGGGTATCAGGTAGGTGTCCAGCTCCTGGCACTGGTAGAGTGCTACACTGTCCAACAC[C>A]CACTCTCGGGTCACCACAGGTGCCTCACACATCTGCCCAATTGCTGGAGACAGAGAACAC-3'
Protein context (NP_009225.1, residues 1827-1847): MCEAPVVTRE[Trp1837Cys]VLDSVALYQC